The following is an entry in ClinVar:

NM_002907.4(RECQL):c.1366G>T (p.Val456Leu)

Gene: RECQL (RecQ like helicase; minus strand). Cytogenetic location: 12p12.1.
Variant type: single nucleotide variant.
Coding change: c.1366G>T on transcript NM_002907.4 (MANE Select); coding-DNA position 1366, G replaced by T.
Protein change: p.Val456Leu; replaces valine 456 with leucine.
Molecular consequence: missense variant.
Genome position (GRCh38, 1-based): chr12:21,473,632, C>A on the plus strand (G>T on the coding strand, the complement: RECQL is on the minus strand). VCF-style: chr12-21473632-C-A. GRCh37 (hg19) VCF-style: chr12-21626566-C-A.
Other names: c.1366G>T, p.Val456Leu (NM_032941.3); short protein forms V456L.
Identifiers: ClinVar variation 4826746 (VCV004826746.1).

ClinVar aggregate classification (germline): Uncertain significance (1 of 4 stars; one submission).

Submission:

Ambry Genetics
Classification: Uncertain significance. Last evaluated: 2026-03-07. Review status: criteria provided, single submitter. Criteria: Ambry Variant Classification Scheme 2023. Collection method: clinical testing. Allele origin: germline.
Comment: The p.V456L variant (also known as c.1366G>T), located in coding exon 11 of the RECQL gene, results from a G to T substitution at nucleotide position 1366. The valine at codon 456 is replaced by leucine, an amino acid with highly similar properties. This amino acid position is conserved. In addition, this alteration is predicted to be tolerated by in silico analysis. Based on the available evidence, the clinical significance of this variant remains unclear.